The following is an entry in ClinVar:

NM_000018.4(ACADVL):c.1233C>G (p.Phe411Leu)

Gene: ACADVL (acyl-CoA dehydrogenase very long chain; plus strand). Cytogenetic location: 17p13.1.
Variant type: single nucleotide variant.
Coding change: c.1233C>G on transcript NM_000018.4 (MANE Select); coding-DNA position 1233, C replaced by G.
Protein change: p.Phe411Leu; replaces phenylalanine 411 with leucine.
Molecular consequence: missense variant.
Genome position (GRCh38, 1-based): chr17:7,223,694, C>G. VCF-style: chr17-7223694-C-G. GRCh37 (hg19) VCF-style: chr17-7127013-C-G.
Other names: c.1167C>G, p.Phe389Leu (NM_001033859.3); c.1302C>G, p.Phe434Leu (NM_001270447.2); c.1005C>G, p.Phe335Leu (NM_001270448.2); short protein forms F434L, F335L, F389L, F411L.
Identifiers: ClinVar variation 2744580 (VCV002744580.3), dbSNP rs907833888, ClinGen allele CA397724654.

ClinVar aggregate classification (germline): Uncertain significance (1 of 4 stars; one submission).

Conditions:
Very long chain acyl-CoA dehydrogenase deficiency (ACADVLD). Also called: Very Long-Chain Acyl-Coenzyme A Dehydrogenase Deficiency; VLCAD Deficiency. Identifiers: Orphanet 26793, MedGen C3887523, MONDO:0008723, OMIM 201475.

Submission:

Labcorp Genetics (formerly Invitae), Labcorp
Classification: Uncertain significance for Very long chain acyl-CoA dehydrogenase deficiency. Last evaluated: 2023-07-17. Review status: criteria provided, single submitter. Criteria: Invitae Variant Classification Sherloc (09022015). Collection method: clinical testing. Allele origin: germline.
Comment: In summary, the available evidence is currently insufficient to determine the role of this variant in disease. Therefore, it has been classified as a Variant of Uncertain Significance. Advanced modeling of protein sequence and biophysical properties (such as structural, functional, and spatial information, amino acid conservation, physicochemical variation, residue mobility, and thermodynamic stability) performed at Invitae indicates that this missense variant is expected to disrupt ACADVL protein function. This variant has not been reported in the literature in individuals affected with ACADVL-related conditions. This variant is not present in population databases (gnomAD no frequency). This sequence change replaces phenylalanine, which is neutral and non-polar, with leucine, which is neutral and non-polar, at codon 411 of the ACADVL protein (p.Phe411Leu).